The following is an entry in ClinVar:

NM_001040716.2(PC):c.2282A>G (p.Asp761Gly)

Gene: PC (pyruvate carboxylase; minus strand). Cytogenetic location: 11q13.2.
Variant type: single nucleotide variant.
Coding change: c.2282A>G on transcript NM_001040716.2 (MANE Select); coding-DNA position 2282, A replaced by G.
Protein change: p.Asp761Gly; replaces aspartic acid 761 with glycine.
Molecular consequence: missense variant.
Genome position (GRCh38, 1-based): chr11:66,850,865, T>C on the plus strand (A>G on the coding strand, the complement: PC is on the minus strand). VCF-style: chr11-66850865-T-C. GRCh37 (hg19) VCF-style: chr11-66618336-T-C.
Other names: c.2282A>G, p.Asp761Gly (NM_000920.4, NM_001439352.1, NM_001439353.1 and 5 more transcripts); short protein forms D761G.
Identifiers: ClinVar variation 5018649 (VCV005018649.2).

ClinVar aggregate classification (germline): Uncertain significance (1 of 4 stars; one submission).

Conditions:
Pyruvate carboxylase deficiency. Also called: LEIGH NECROTIZING ENCEPHALOPATHY DUE TO PYRUVATE CARBOXYLASE DEFICIENCY; LEIGH SYNDROME DUE TO PYRUVATE CARBOXYLASE DEFICIENCY; PC DEFICIENCY; ATAXIA WITH LACTIC ACIDOSIS II; Pyruvate Carboxylase Deficiency Disease. Identifiers: Orphanet 3008, MedGen C0034341, MONDO:0009949, OMIM 266150.

gnomAD v4.1: 2 of 1,611,338 alleles (0.00012%); highest among the groups gnomAD compares: East Asian, 0.0045%; no homozygotes.

Submission:

Juno Genomics, Hangzhou Juno Genomics, Inc
Classification: Uncertain significance for Pyruvate carboxylase deficiency. Review status: criteria provided, single submitter. Criteria: ACMG Guidelines, 2015. Collection method: clinical testing. Allele origin: germline.
Comment: Absent from controls (or at extremely low frequency if recessive) in Genome Aggregation Database.;Multiple lines of computational evidence support a deleterious effect on the gene or gene product.;Missense variant in a gene that has a low rate of benign missense variation.